The following is an entry in ClinVar:

NM_002098.6(GUCA1B):c.111_114del (p.Phe38fs)

Gene: GUCA1B (guanylate cyclase activator 1B; minus strand). Cytogenetic location: 6p21.1.
Variant type: Deletion.
Coding change: c.111_114del on transcript NM_002098.6 (MANE Select); coding-DNA positions 111 to 114, 4 bases deleted (CTTT; older notation c.111_114delCTTT).
Protein change: p.Phe38fs; shifts the reading frame from phenylalanine 38.
Molecular consequence: frameshift variant.
Genome position (GRCh38, 1-based): chr6:42,194,707-42,194,710, AAAG deleted on the plus strand (CTTT on the coding strand, the reverse complement: GUCA1B is on the minus strand); deleting any 4 consecutive bases within chr6:42,194,707-42,194,711 gives the same sequence; the c. name uses the placement nearest the transcript's 3' end. VCF-style (leftmost placement, unchanged base first): chr6-42194706-TAAAG-T. GRCh37 (hg19) VCF-style: chr6-42162444-TAAAG-T.
Other names: short protein forms F38fs.
Identifiers: ClinVar variation 1439951 (VCV001439951.4), dbSNP rs778229627, ClinGen allele CA3805647.

ClinVar aggregate classification (germline): Uncertain significance (1 of 4 stars; one submission).

Submission:

Labcorp Genetics (formerly Invitae), Labcorp
Classification: Uncertain significance. Last evaluated: 2025-10-23. Review status: criteria provided, single submitter. Criteria: Invitae Variant Classification Sherloc (09022015). Collection method: clinical testing. Allele origin: germline.
Comment: This sequence change creates a premature translational stop signal (p.Phe38Cysfs*20) in the GUCA1B gene. It is expected to result in an absent or disrupted protein product. However, the current clinical and genetic evidence is not sufficient to establish whether loss-of-function variants in GUCA1B cause disease. This variant is present in population databases (rs778229627, gnomAD 0.003%). This variant has not been reported in the literature in individuals affected with GUCA1B-related conditions. ClinVar contains an entry for this variant (Variation ID: 1439951). In summary, the available evidence is currently insufficient to determine the role of this variant in disease. Therefore, it has been classified as a Variant of Uncertain Significance.